The following is an entry in ClinVar:

NM_003072.5(SMARCA4):c.2124-3dup

Gene: SMARCA4 (SWI/SNF related BAF chromatin remodeling complex subunit ATPase 4; plus strand). Cytogenetic location: 19p13.2.
Variant type: Duplication.
Coding change: c.2124-3dup on transcript NM_003072.5 (MANE Select); 3 bases into the intron before coding-DNA position 2124, one base duplicated (C; older notation c.2124-3dupC).
Molecular consequence: intron variant.
Genome position (GRCh38, 1-based): chr19:11,010,378, C duplicated; the last of 3 consecutive C bases (chr19:11,010,376-11,010,378); duplicating any one gives the same sequence. VCF-style (leftmost placement, unchanged base first): chr19-11010375-T-TC. GRCh37 (hg19) VCF-style: chr19-11121051-T-TC.
Other names: c.2124-3dup (NM_001128844.3, NM_001128849.3, NM_001128847.4 and 6 more transcripts).
Identifiers: ClinVar variation 5042136 (VCV005042136.1).

ClinVar aggregate classification (germline): Likely benign (1 of 4 stars; one submission).

Conditions:
Rhabdoid tumor predisposition syndrome 2 (RTPS2). Identifiers: Orphanet 231108, Orphanet 69077, MedGen C2750074, MONDO:0013224, OMIM 613325.

Submission:

Myriad Genetics, Inc.
Classification: Likely benign for Rhabdoid tumor predisposition syndrome 2. Last evaluated: 2026-07-07. Review status: criteria provided, single submitter. Criteria: Myriad Autosomal Dominant, Autosomal Recessive and X-Linked Classification Criteria (2023). Collection method: clinical testing. Allele origin: unknown.
Comment: This variant is considered likely benign. This variant is intronic and is not expected to impact mRNA splicing.